The following is an entry in ClinVar:

ClinVar aggregate classification (germline): Uncertain significance (1 of 4 stars; one submission).

Conditions:
MAPT-related disorder. Also called: MAPT-Related Disorders; MAPT-related condition.

Allele frequency attached by ClinVar (database versions not stated): gnomAD exomes 0.00001; TOPMed 0.00001; ExAC 0.00002.
gnomAD v4.1: 10 of 1,613,836 alleles (0.00062%); highest among the groups gnomAD compares: Non-Finnish European, 0.00085%; no homozygotes.

Submission:

PreventionGenetics, part of Exact Sciences
Classification: Uncertain significance for MAPT-related condition. Last evaluated: 2022-11-21. Review status: criteria provided, single submitter. Criteria: ACMG Guidelines, 2015. Collection method: clinical testing. Allele origin: germline.
Comment: The MAPT c.205A>G variant is predicted to result in the amino acid substitution p.Thr69Ala. To our knowledge, this variant has not been reported in the literature. This variant is reported in 0.0018% of alleles in individuals of European (Non-Finnish) descent in gnomAD. At this time, the clinical significance of this variant is uncertain due to the absence of conclusive functional and genetic evidence.

NM_001377265.1(MAPT):c.205A>G (p.Thr69Ala)

Gene: MAPT (microtubule associated protein tau). Cytogenetic location: 17q21.31.
Variant type: single nucleotide variant.
Coding change: c.205A>G on transcript NM_001377265.1 (MANE Select); coding-DNA position 205, A replaced by G.
Protein change: p.Thr69Ala; replaces threonine 69 with alanine.
Molecular consequence: missense variant. On other transcripts: non-coding transcript variant (1), intron variant (3).
Genome position (GRCh38, 1-based): chr17:45,971,930, A>G. VCF-style: chr17-45971930-A-G. GRCh37 (hg19) VCF-style: chr17-44049296-A-G.
Other names: c.205A>G, p.Thr69Ala (NM_001123066.4, NM_001123067.4, NM_001203251.2 and 5 more transcripts); c.134-6445A>G (NM_001377268.1, NM_016834.5, NM_016841.5); short protein forms T69A.
Identifiers: ClinVar variation 2628522 (VCV002628522.1), dbSNP rs778599496, ClinGen allele CA8617547.